The following is an entry in ClinVar:

ClinVar aggregate classification (germline): Conflicting classifications of pathogenicity. Review status: criteria provided, conflicting classifications (1 of 4 stars). 2 submissions from 2 submitters: Pathogenic (1); Uncertain significance (1). Last evaluated 2024-06-13.

Conditions:
Familial hypokalemia-hypomagnesemia (GTLMNS). Also called: HYPOMAGNESEMIA-HYPOKALEMIA, PRIMARY RENOTUBULAR, WITH HYPOCALCIURIA; POTASSIUM AND MAGNESIUM DEPLETION; gitelman syndrome. Identifiers: Orphanet 358, MedGen C0268450, MONDO:0009904, OMIM 263800.

Submissions (2):

Fulgent Genetics
Classification: Uncertain significance for Familial hypokalemia-hypomagnesemia. Last evaluated: 2024-06-13. Review status: criteria provided, single submitter. Criteria: ACMG Guidelines, 2015. Collection method: clinical testing. Allele origin: germline.

Juno Genomics, Hangzhou Juno Genomics, Inc
Classification: Pathogenic for Familial hypokalemia-hypomagnesemia. Review status: criteria provided, single submitter. Criteria: ACMG Guidelines, 2015. Collection method: clinical testing. Allele origin: germline. Affected: yes.
Comment: Multiple lines of computational evidence support a deleterious effect on the gene or gene product (conservation, evolutionary, splicing impact, etc).;Absent from controls (or at extremely low frequency if recessive) in Genome Aggregation Database, Exome Sequencing Project, 1000 Genomes Project, or Exome Aggregation Consortium.;For recessive disorders, detected in trans with a pathogenic variant.;Patient's phenotype or family history is highly specific for a disease with a single genetic etiology.

NM_001126108.2(SLC12A3):c.209A>G (p.Tyr70Cys)

Gene: SLC12A3 (solute carrier family 12 member 3; plus strand). Cytogenetic location: 16q13.
Variant type: single nucleotide variant.
Coding change: c.209A>G on transcript NM_001126108.2 (MANE Select); coding-DNA position 209, A replaced by G.
Protein change: p.Tyr70Cys; replaces tyrosine 70 with cysteine.
Molecular consequence: missense variant.
Genome position (GRCh38, 1-based): chr16:56,865,444, A>G. VCF-style: chr16-56865444-A-G. GRCh37 (hg19) VCF-style: chr16-56899356-A-G.
Other names: c.209A>G, p.Tyr70Cys (NM_000339.3, NM_001126107.2, NM_001410896.1); short protein forms Y70C.
Identifiers: ClinVar variation 3381951 (VCV003381951.3).
Genomic context (GRCh38, chr16:56,865,444, plus strand): 5'-CCTTCTGCATGCGCACCTTTGGCTACAACACGATCGATGTGGTGCCCACATATGAGCACT[A>G]TGCCAACAGCACCCAGCCTGGTGAGCCCCGGAAGGTCCGGCCCACACTGGCTGACCTGCA-3'
Protein context (NP_001119580.2, residues 60-80): TIDVVPTYEH[Tyr70Cys]ANSTQPGEPR